The following is an entry in ClinVar:

ClinVar aggregate classification (germline): Benign/Likely benign. Review status: criteria provided, multiple submitters, no conflicts (2 of 4 stars). 2 submissions from 2 submitters: Benign (1); Likely benign (1). Last evaluated 2025-08-07.

Conditions:
Holoprosencephaly 11 (HPE11). Identifiers: Orphanet 2162, MedGen C3280215, MONDO:0013642, OMIM 614226.
CDON-related disorder. Also called: CDON-related condition.

Allele frequency attached by ClinVar (database versions not stated): gnomAD 0.00001 and 0.00005; TOPMed 0.00002; gnomAD exomes 0.00010 and 0.00019; ExAC 0.00025.
gnomAD v4.1: 158 of 1,614,000 alleles (0.0098%); highest among the groups gnomAD compares: South Asian, 0.16%; 2 homozygotes.

Submissions (2):

Labcorp Genetics (formerly Invitae), Labcorp
Classification: Benign for Holoprosencephaly 11. Last evaluated: 2025-08-07. Review status: criteria provided, single submitter. Criteria: Invitae Variant Classification Sherloc (09022015). Collection method: clinical testing. Allele origin: germline.

PreventionGenetics, part of Exact Sciences
Classification: Likely benign for CDON-related condition. Last evaluated: 2024-10-17. Review status: criteria provided, single submitter. Criteria: ACMG Guidelines, 2015. Collection method: clinical testing. Allele origin: germline.
Comment: This variant is classified as likely benign based on ACMG/AMP sequence variant interpretation guidelines (Richards et al. 2015 PMID: 25741868, with internal and published modifications).

NM_001378964.1(CDON):c.3156G>A (p.Lys1052=)

Gene: CDON (cell adhesion associated, oncogene regulated; minus strand). Cytogenetic location: 11q24.2.
Variant type: single nucleotide variant.
Coding change: c.3156G>A on transcript NM_001378964.1 (MANE Select); coding-DNA position 3156, G replaced by A.
Protein change: p.Lys1052=; no amino-acid change (lysine 1052 retained).
Molecular consequence: synonymous variant.
Genome position (GRCh38, 1-based): chr11:125,981,169, C>T on the plus strand (G>A on the coding strand, the complement: CDON is on the minus strand). VCF-style: chr11-125981169-C-T. GRCh37 (hg19) VCF-style: chr11-125851064-C-T.
Other names: c.3156G>A, p.Lys1052= (NM_001243597.3, NM_016952.6).
Identifiers: ClinVar variation 745870 (VCV000745870.6), dbSNP rs758026817, ClinGen allele CA6351498.